The following is an entry in ClinVar:

NM_002941.4(ROBO1):c.1044A>G (p.Gln348=)

Gene: ROBO1 (roundabout guidance receptor 1; minus strand). Cytogenetic location: 3p12.3.
Variant type: single nucleotide variant.
Coding change: c.1044A>G on transcript NM_002941.4 (MANE Select); coding-DNA position 1044, A replaced by G.
Protein change: p.Gln348=; no amino-acid change (glutamine 348 retained).
Molecular consequence: synonymous variant.
Genome position (GRCh38, 1-based): chr3:78,714,398, T>C on the plus strand (A>G on the coding strand, the complement: ROBO1 is on the minus strand). VCF-style: chr3-78714398-T-C. GRCh37 (hg19) VCF-style: chr3-78763548-T-C.
Other names: c.927A>G, p.Gln309= (NM_001145845.2, NM_133631.4).
Identifiers: ClinVar variation 3363572 (VCV003363572.1).

ClinVar aggregate classification (germline): Uncertain significance (1 of 4 stars; one submission).

gnomAD v4.1: 1 of 1,611,282 alleles (0.000062%); highest among the groups gnomAD compares: East Asian, 0.0022%; no homozygotes.

Submission:

GeneDx
Classification: Uncertain significance. Last evaluated: 2023-11-02. Review status: criteria provided, single submitter. Criteria: GeneDx Variant Classification Process June 2021. Collection method: clinical testing. Allele origin: germline. Affected: yes.
Comment: Not observed at significant frequency in large population cohorts (gnomAD); In silico analysis supports that this variant does not alter splicing; Has not been previously published as pathogenic or benign to our knowledge